The following is an entry in ClinVar:

ClinVar aggregate classification (germline): Likely benign (1 of 4 stars; one submission).

Submission:

GeneDx
Classification: Likely benign. Last evaluated: 2017-09-12. Review status: criteria provided, single submitter. Criteria: GeneDx Variant Classification (06012015). Collection method: clinical testing. Allele origin: germline. Affected: yes.
Comment: This variant is considered likely benign or benign based on one or more of the following criteria: it is a conservative change, it occurs at a poorly conserved position in the protein, it is predicted to be benign by multiple in silico algorithms, and/or has population frequency not consistent with disease.

NM_145239.3(PRRT2):c.-88_-66+6del

Genes: MVP-DT (MVP divergent transcript; minus strand), PRRT2 (proline rich transmembrane protein 2; plus strand). Cytogenetic location: 16p11.2.
Variant type: Deletion.
Coding change: c.-88_-66+6del on transcript NM_145239.3 (MANE Select); 88 bases upstream of the start codon through 6 bases into the intron after 66 bases upstream of the start codon, 29 bases deleted (GCTGTCCGGAGGCCGGCGTCGAGGTGAGA).
Molecular consequence: splice donor variant. On other transcripts: 5 prime UTR variant (1).
Genome position (GRCh38, 1-based): chr16:29,812,301-29,812,329, GCTGTCCGGAGGCCGGCGTCGAGGTGAGA deleted; deleting any 29 consecutive bases within chr16:29,812,299-29,812,329 gives the same sequence; the c. name uses the placement nearest the transcript's 3' end. VCF-style (leftmost placement, unchanged base first): chr16-29812298-GGAGCTGTCCGGAGGCCGGCGTCGAGGTGA-G. GRCh37 (hg19) VCF-style: chr16-29823619-GGAGCTGTCCGGAGGCCGGCGTCGAGGTGA-G.
Other names: c.-116_-88del (NM_001256443.2); c.-88_-66+6del (NM_001256442.2).
Identifiers: ClinVar variation 511786 (VCV000511786.1), dbSNP rs1555502431, ClinGen allele CA658798583.
Genomic context (GRCh38, chr16:29,812,298, plus strand): 5'-TCCCTAGCTGACTTGCTCCCTCCCGGGCTGCGGCTGCTGCAAAAGCCAGCAGCGGCAGCG[GGAGCTGTCCGGAGGCCGGCGTCGAGGTGA>G]GACCCGGGCAGACTGAGGCTGCGGGTAGGAGTGGACCGACCGACGGCTGACGCCGGGCGG-3'